The following is an entry in ClinVar:

NM_004994.3(MMP9):c.2T>A (p.Met1Lys)

Gene: MMP9 (matrix metallopeptidase 9; plus strand). Cytogenetic location: 20q13.12.
Variant type: single nucleotide variant.
Coding change: c.2T>A on transcript NM_004994.3 (MANE Select); coding-DNA position 2, T replaced by A.
Protein change: p.Met1Lys; changes the start codon (methionine 1).
Molecular consequence: missense variant, initiator codon variant.
Genome position (GRCh38, 1-based): chr20:46,008,928, T>A. VCF-style: chr20-46008928-T-A. GRCh37 (hg19) VCF-style: chr20-44637567-T-A.
Other names: short protein forms M1K.
Identifiers: ClinVar variation 17107 (VCV000017107.23), dbSNP rs121434556, ClinGen allele CA127077.
Genomic context (GRCh38, chr20:46,008,928, plus strand): 5'-GGAGCGCCTCCTTAAAGCCCCCACAACAGCAGCTGCAGTCAGACACCTCTGCCCTCACCA[T>A]GAGCCTCTGGCAGCCCCTGGTCCTGGTGCTCCTGGTGCTGGGCTGCTGCTTTGCTGCCCC-3'
Protein context (NP_004985.2, residues 1-11): [Met1Lys]SLWQPLVLVL

ClinVar aggregate classification (germline): Uncertain significance. Review status: criteria provided, multiple submitters, no conflicts (2 of 4 stars). 4 submissions from 4 submitters: Uncertain significance (2). 2 of the submissions do not count toward it. Last evaluated 2025-11-08.

Conditions:
Metaphyseal anadysplasia 2 (MANDP2). Also called: Metaphyseal anadysplasia 2, autosomal recessive. Identifiers: Orphanet 1040, MedGen C2751322, MONDO:0013113, OMIM 613073.

Allele frequency attached by ClinVar (database versions not stated): TOPMed 0.00009; gnomAD 0.00010; 1000 Genomes Project 30x 0.00062; 1000 Genomes Project 0.00080.

Submissions (4):

Labcorp Genetics (formerly Invitae), Labcorp
Classification: Uncertain significance. Last evaluated: 2025-11-08. Review status: criteria provided, single submitter. Criteria: Invitae Variant Classification Sherloc (09022015). Collection method: clinical testing. Allele origin: germline.
Comment: This sequence change affects the initiator codon of the MMP9 mRNA. This change may impact translation initiation or efficiency. The next in-frame methionine is located at codon 60. This variant is present in population databases (rs121434556, gnomAD 0.6%), and has an allele count higher than expected for a pathogenic variant. Disruption of the initiator codon has been observed in individual(s) with metaphyseal anadysplasia (PMID: 19615667). ClinVar contains an entry for this variant (Variation ID: 17107). In summary, the available evidence is currently insufficient to determine the role of this variant in disease. Therefore, it has been classified as a Variant of Uncertain Significance.

Illumina Laboratory Services, Illumina
Classification: Uncertain significance for Metaphyseal anadysplasia 2. Last evaluated: 2017-04-28. Review status: criteria provided, single submitter. Criteria: ICSL Variant Classification Criteria 13 December 2019. Collection method: clinical testing. Allele origin: germline.
Comment: This variant was observed as part of a predisposition screen in an ostensibly healthy population. A literature search was performed for the gene, cDNA change, and amino acid change (where applicable). Publications were found based on this search. However, the evidence from the literature, in combination with allele frequency data from public databases where available, was not sufficient to rule this variant in or out of causing disease. Therefore, this variant is classified as a variant of unknown significance.

Reproductive Health Research and Development, BGI Genomics
Classification: Uncertain significance for Metaphyseal anadysplasia 2. Last evaluated: 2020-01-06. Review status: no assertion criteria provided. Collection method: curation. Allele origin: germline. Not counted in ClinVar's aggregate classification.
Comment: NM_004994.2:c.2T>A in the MMP9 gene has an allele frequency of 0.006 in South Asian subpopulation in the gnomAD database. This variant occurs in the initiation codon and is predicted to affect protein translation. The closest potential in-frame start codon was observed at amino acid 60. From the original star codon to amino acid 60, there is one P/LP variant reported in ClinVar. In addition, this variant has been detected in an individual with Metaphyseal Anadysplasia (PMID: 19615667). Taken together, we interprete this variant as variant of uncertain significance (VUS). ACMG/AMP Criteria applied: PVS1_Moderate; PM2; PP4.

OMIM
Classification: Pathogenic for METAPHYSEAL ANADYSPLASIA 2, AUTOSOMAL RECESSIVE. Last evaluated: 2009-08-01. Review status: no assertion criteria provided. Collection method: literature only. Allele origin: germline. Not counted in ClinVar's aggregate classification.

Literature cited by the submitters: PubMed 19615667 (cited by 3 submitters).